The following is an entry in ClinVar:

NC_000012.12:g.121641611C>A

Gene: ORAI1 (ORAI calcium release-activated calcium modulator 1; plus strand). Cytogenetic location: 12q24.31.
Variant type: single nucleotide variant.
Genome position: GRCh38 VCF-style: chr12-121641611-C-A. GRCh37 (hg19) VCF-style: chr12-122079517-C-A.
Other names: c.874C>A, p.His292Asn (NM_032790.4); short protein forms H292N.
Identifiers: ClinVar variation 860082 (VCV000860082.8), dbSNP rs1189464768, ClinGen allele CA386984825.

ClinVar aggregate classification (germline): Uncertain significance (1 of 4 stars; one submission).

Conditions:
Myopathy, tubular aggregate, 2 (TAM2). Identifiers: MedGen C4014557, MONDO:0014383, OMIM 615883.
Combined immunodeficiency due to ORAI1 deficiency. Also called: IMMUNODEFICIENCY 9. Identifiers: Orphanet 169090, Orphanet 317428, MedGen C2748568, MONDO:0013007, OMIM 612782.

Allele frequency attached by ClinVar (database versions not stated): gnomAD exomes below 0.00001; TOPMed 0.00002; gnomAD 0.00003.

Submission:

Labcorp Genetics (formerly Invitae), Labcorp
Classification: Uncertain significance for Myopathy, tubular aggregate, 2; Combined immunodeficiency due to ORAI1 deficiency. Last evaluated: 2025-08-05. Review status: criteria provided, single submitter. Criteria: Invitae Variant Classification Sherloc (09022015). Collection method: clinical testing. Allele origin: germline.
Comment: This sequence change replaces histidine, which is basic and polar, with asparagine, which is neutral and polar, at codon 292 of the ORAI1 protein (p.His292Asn). This variant is present in population databases (no rsID available, gnomAD 0.002%). This variant has not been reported in the literature in individuals affected with ORAI1-related conditions. ClinVar contains an entry for this variant (Variation ID: 860082). Experimental studies and prediction algorithms are not available or were not evaluated, and the functional significance of this variant is currently unknown. In summary, the available evidence is currently insufficient to determine the role of this variant in disease. Therefore, it has been classified as a Variant of Uncertain Significance.